The following is an entry in ClinVar:

ClinVar aggregate classification (germline): Uncertain significance (1 of 4 stars; one submission).

gnomAD v4.1: 1 of 1,583,284 alleles (0.000063%); highest among the groups gnomAD compares: Non-Finnish European, 0.000086%; no homozygotes.

Submission:

Labcorp Genetics (formerly Invitae), Labcorp
Classification: Uncertain significance. Last evaluated: 2025-04-30. Review status: criteria provided, single submitter. Criteria: Invitae Variant Classification Sherloc (09022015). Collection method: clinical testing. Allele origin: germline.
Comment: This sequence change replaces valine, which is neutral and non-polar, with leucine, which is neutral and non-polar, at codon 350 of the TBX20 protein (p.Val350Leu). This variant is not present in population databases (gnomAD no frequency). This variant has not been reported in the literature in individuals affected with TBX20-related conditions. Invitae Evidence Modeling of protein sequence and biophysical properties (such as structural, functional, and spatial information, amino acid conservation, physicochemical variation, residue mobility, and thermodynamic stability) indicates that this missense variant is not expected to disrupt TBX20 protein function with a negative predictive value of 80%. In summary, the available evidence is currently insufficient to determine the role of this variant in disease. Therefore, it has been classified as a Variant of Uncertain Significance.

NM_001077653.2(TBX20):c.1048G>T (p.Val350Leu)

Gene: TBX20 (T-box transcription factor 20; minus strand). Cytogenetic location: 7p14.2.
Variant type: single nucleotide variant.
Coding change: c.1048G>T on transcript NM_001077653.2 (MANE Select); coding-DNA position 1048, G replaced by T.
Protein change: p.Val350Leu; replaces valine 350 with leucine.
Molecular consequence: missense variant.
Genome position (GRCh38, 1-based): chr7:35,202,726, C>A on the plus strand (G>T on the coding strand, the complement: TBX20 is on the minus strand). VCF-style: chr7-35202726-C-A. GRCh37 (hg19) VCF-style: chr7-35242338-C-A.
Other names: short protein forms V350L.
Identifiers: ClinVar variation 4743551 (VCV004743551.1).
Genomic context (GRCh38, chr7:35,202,726, plus strand): 5'-TGCCAAGAGCAGTCAGGGACTGTGGGTGCTGAAACCCAGGAAAACTGGAAGAAGATGATA[C>A]CCAGGAGCTGAGAGACAAATTATCAGATGTTGTAAAGGCTGACCCTGTAAGGAAAAACAC-3'
Protein context (NP_001071121.1, residues 340-360): TSDNLSLSSW[Val350Leu]SSSSSFPGFQ